The following is an entry in ClinVar:

NM_000371.4(TTR):c.338T>C (p.Val113Ala)

Gene: TTR (transthyretin; plus strand). Cytogenetic location: 18q12.1.
Variant type: single nucleotide variant.
Coding change: c.338T>C on transcript NM_000371.4 (MANE Select); coding-DNA position 338, T replaced by C.
Protein change: p.Val113Ala; replaces valine 113 with alanine.
Molecular consequence: missense variant.
Genome position (GRCh38, 1-based): chr18:31,598,569, T>C. VCF-style: chr18-31598569-T-C. GRCh37 (hg19) VCF-style: chr18-29178532-T-C.
Other names: short protein forms V113A.
Identifiers: ClinVar variation 4710831 (VCV004710831.1).

ClinVar aggregate classification (germline): Uncertain significance (1 of 4 stars; one submission).

Conditions:
Amyloidosis, hereditary systemic 1 (AMYLD1). Also called: AMYLOID CARDIOMYOPATHY; Familial amyloid polyneuropathy; Transthyretin Amyloidosis; Hereditary oculoleptomeningeal amyloid angiopathy; Familial Transthyretin Amyloidosis; Hereditary Transthyretin Amyloidosis. Identifiers: Orphanet 85447, Orphanet 85451, MedGen C2751492, MONDO:0971004, OMIM 105210.

Submission:

Labcorp Genetics (formerly Invitae), Labcorp
Classification: Uncertain significance for Amyloidosis, hereditary systemic 1. Last evaluated: 2025-09-04. Review status: criteria provided, single submitter. Criteria: Invitae Variant Classification Sherloc (09022015). Collection method: clinical testing. Allele origin: germline.
Comment: This sequence change replaces valine, which is neutral and non-polar, with alanine, which is neutral and non-polar, at codon 113 of the TTR protein (p.Val113Ala). This variant is not present in population databases (gnomAD no frequency). This missense change has been observed in individual(s) with polyneuropathy (PMID: 34658264). An algorithm developed to predict the effect of missense changes on protein structure and function (PolyPhen-2) suggests that this variant is likely to be disruptive. In summary, the available evidence is currently insufficient to determine the role of this variant in disease. Therefore, it has been classified as a Variant of Uncertain Significance.

Literature cited by the submitters: PubMed 34658264.